The following is an entry in ClinVar:

ClinVar aggregate classification (germline): Benign. Review status: criteria provided, multiple submitters, no conflicts (2 of 4 stars). 2 submissions from 2 submitters: Benign (2). Last evaluated 2021-08-10.

Conditions:
Usher syndrome type 2C. Also called: USHER SYNDROME, TYPE IIC; Usher syndrome, type 2B. Identifiers: Orphanet 231178, Orphanet 886, MedGen C2931213, MONDO:0011558, OMIM 605472.

Allele frequency attached by ClinVar (database versions not stated): ESP Exome Variant Server 0.16979; gnomAD 0.17765 and 0.18176; TOPMed 0.17918; ExAC 0.19126; gnomAD exomes 0.19191; 1000 Genomes Project 30x 0.23610; 1000 Genomes Project 0.24081.
gnomAD v4.1: 256,757 of 1,547,844 alleles (17%); highest among the groups gnomAD compares: East Asian, 39%; 23,339 homozygotes.

Submissions (2):

Genome-Nilou Lab
Classification: Benign for Usher syndrome type 2C. Last evaluated: 2021-08-10. Review status: criteria provided, single submitter. Criteria: ACMG Guidelines, 2015. Collection method: clinical testing. Allele origin: germline. Affected: no.

GeneDx
Classification: Benign. Last evaluated: 2018-06-14. Review status: criteria provided, single submitter. Criteria: GeneDx Variant Classification (06012015). Collection method: clinical testing. Allele origin: germline. Affected: yes.
Comment: This variant is considered likely benign or benign based on one or more of the following criteria: it is a conservative change, it occurs at a poorly conserved position in the protein, it is predicted to be benign by multiple in silico algorithms, and/or has population frequency not consistent with disease.

NM_032119.4(ADGRV1):c.2735-34C>G

Gene: ADGRV1 (adhesion G protein-coupled receptor V1; plus strand). Cytogenetic location: 5q14.3.
Variant type: single nucleotide variant.
Coding change: c.2735-34C>G on transcript NM_032119.4 (MANE Select); 34 bases into the intron before coding-DNA position 2735, C replaced by G.
Molecular consequence: intron variant.
Genome position (GRCh38, 1-based): chr5:90,644,672, C>G. VCF-style: chr5-90644672-C-G. GRCh37 (hg19) VCF-style: chr5-89940489-C-G.
Identifiers: ClinVar variation 670350 (VCV000670350.3), dbSNP rs16868901, ClinGen allele CA3339004.